The following is an entry in ClinVar:

NM_001267550.2(TTN):c.82970C>T (p.Pro27657Leu)

Genes: TTN (titin; minus strand), TTN-AS1 (TTN antisense RNA 1; plus strand). Cytogenetic location: 2q31.2.
Variant type: single nucleotide variant.
Coding change: c.82970C>T on transcript NM_001267550.2 (MANE Select); coding-DNA position 82970, C replaced by T.
Protein change: p.Pro27657Leu; replaces proline 27657 with leucine.
Molecular consequence: missense variant.
Genome position (GRCh38, 1-based): chr2:178,563,162, G>A on the plus strand (C>T on the coding strand, the complement: TTN is on the minus strand). VCF-style: chr2-178563162-G-A. GRCh37 (hg19) VCF-style: chr2-179427889-G-A.
Other names: c.78047C>T, p.Pro26016Leu (NM_001256850.1); c.55775C>T, p.Pro18592Leu (NM_003319.4); c.75266C>T, p.Pro25089Leu (NM_133378.4); c.56150C>T, p.Pro18717Leu (NM_133432.3); c.56351C>T, p.Pro18784Leu (NM_133437.4); short protein forms P25089L, P26016L, P18592L, P27657L, P18717L, P18784L.
Identifiers: ClinVar variation 5008809 (VCV005008809.1).
Genomic context (GRCh38, chr2:178,563,162, plus strand): 5'-AGTTCTATTTCTGGTGGCTCTATCCTCTCCTGAGCAACCACTGAGCCAGGTAGAGTTGCA[G>A]GTTCACCTACACCTTCAGAATTGATGGCACAAATACGGAAGTTATATTCAGTGTTTTCTT-3'
Protein context (NP_001254479.2, residues 27647-27667): CAINSEGVGE[Pro27657Leu]ATLPGSVVAQ

ClinVar aggregate classification (germline): Uncertain significance (1 of 4 stars; one submission).

Submission:

GeneDx
Classification: Uncertain significance. Last evaluated: 2026-03-10. Review status: criteria provided, single submitter. Criteria: GeneDx Variant Classification Process June 2021. Collection method: clinical testing. Allele origin: germline.
Comment: Not observed at significant frequency in large population cohorts (gnomAD); Missense variant in a gene in which most reported pathogenic variants are truncating/loss of function; Has not been previously published as pathogenic or benign to our knowledge